The following is an entry in ClinVar:

ClinVar aggregate classification (germline): Uncertain significance (1 of 4 stars; one submission).

Conditions:
Kabuki syndrome. Also called: NIIKAWA-KUROKI SYNDROME; Kabuki make-up syndrome. Identifiers: Orphanet 2322, MedGen C0796004, MONDO:0016512.

Submission:

Labcorp Genetics (formerly Invitae), Labcorp
Classification: Uncertain significance for Kabuki syndrome. Last evaluated: 2024-01-01. Review status: criteria provided, single submitter. Criteria: Invitae Variant Classification Sherloc (09022015). Collection method: clinical testing. Allele origin: germline.
Comment: This sequence change replaces lysine, which is basic and polar, with glutamine, which is neutral and polar, at codon 2267 of the KMT2D protein (p.Lys2267Gln). This variant is not present in population databases (gnomAD no frequency). This variant has not been reported in the literature in individuals affected with KMT2D-related conditions. Advanced modeling of protein sequence and biophysical properties (such as structural, functional, and spatial information, amino acid conservation, physicochemical variation, residue mobility, and thermodynamic stability) performed at Invitae indicates that this missense variant is not expected to disrupt KMT2D protein function with a negative predictive value of 95%. In summary, the available evidence is currently insufficient to determine the role of this variant in disease. Therefore, it has been classified as a Variant of Uncertain Significance.

NM_003482.4(KMT2D):c.6799A>C (p.Lys2267Gln)

Gene: KMT2D (lysine methyltransferase 2D; minus strand). Cytogenetic location: 12q13.12.
Variant type: single nucleotide variant.
Coding change: c.6799A>C on transcript NM_003482.4 (MANE Select); coding-DNA position 6799, A replaced by C.
Protein change: p.Lys2267Gln; replaces lysine 2267 with glutamine.
Molecular consequence: missense variant.
Genome position (GRCh38, 1-based): chr12:49,040,971, T>G on the plus strand (A>C on the coding strand, the complement: KMT2D is on the minus strand). VCF-style: chr12-49040971-T-G. GRCh37 (hg19) VCF-style: chr12-49434754-T-G.
Other names: short protein forms K2267Q.
Identifiers: ClinVar variation 2864557 (VCV002864557.3), dbSNP rs2120538928, ClinGen allele CA384749641.
Genomic context (GRCh38, chr12:49,040,971, plus strand): 5'-CCTCTAGGGCCTTCCGGGACTCCCCAAAAGGTGGGGGCGAGAGCAGGGGCTCGGAAGCTT[T>G]GCCTCCCCCTACCCCAGGGCTCTCAGGCACAGCCAAGTTATCCAGCGAGGGGCAGCGGGG-3'
Protein context (NP_003473.3, residues 2257-2277): VPESPGVGGG[Lys2267Gln]ASEPLLSPPP